The following is an entry in ClinVar:

ClinVar aggregate classification (germline): Likely benign (1 of 4 stars; one submission).

Conditions:
ATXN10-related disorder. Also called: ATXN10-related condition.

Submission:

PreventionGenetics, part of Exact Sciences
Classification: Likely benign for ATXN10-related condition. Last evaluated: 2025-02-25. Review status: criteria provided, single submitter. Criteria: ACMG Guidelines, 2015. Collection method: clinical testing. Allele origin: germline.
Comment: This variant is classified as likely benign based on ACMG/AMP sequence variant interpretation guidelines (Richards et al. 2015 PMID: 25741868, with internal and published modifications).

NM_013236.4(ATXN10):c.309-3del

Gene: ATXN10 (ataxin 10; plus strand). Cytogenetic location: 22q13.31.
Variant type: Deletion.
Coding change: c.309-3del on transcript NM_013236.4 (MANE Select); 3 bases into the intron before coding-DNA position 309, one base deleted (C; older notation c.309-3delC).
Molecular consequence: intron variant.
Genome position (GRCh38, 1-based): chr22:45,692,993, C deleted; the last of 3 consecutive C bases (chr22:45,692,991-45,692,993); deleting any one gives the same sequence. VCF-style (leftmost placement, unchanged base first): chr22-45692990-AC-A. GRCh37 (hg19) VCF-style: chr22-46088870-AC-A.
Other names: c.117-3del (NM_001167621.2).
Identifiers: ClinVar variation 4980411 (VCV004980411.1).